The following is an entry in ClinVar:

ClinVar aggregate classification (germline): Uncertain significance (1 of 4 stars; one submission).

Conditions:
Severe early-onset pulmonary alveolar proteinosis due to MARS deficiency. Also called: PULMONARY ALVEOLAR PROTEINOSIS, REUNION ISLAND; Interstitial lung and liver disease. Identifiers: Orphanet 440427, MedGen C4225400, MONDO:0014206, OMIM 615486.
Charcot-Marie-Tooth disease axonal type 2U. Also called: CHARCOT-MARIE-TOOTH NEUROPATHY, TYPE 2U; CHARCOT-MARIE-TOOTH DISEASE, AXONAL, AUTOSOMAL DOMINANT, TYPE 2U. Identifiers: Orphanet 397735, MedGen C4084821, MONDO:0014566, OMIM 616280.

Submission:

Labcorp Genetics (formerly Invitae), Labcorp
Classification: Uncertain significance for Charcot-Marie-Tooth disease axonal type 2U; Severe early-onset pulmonary alveolar proteinosis due to MARS deficiency. Last evaluated: 2022-09-29. Review status: criteria provided, single submitter. Criteria: Invitae Variant Classification Sherloc (09022015). Collection method: clinical testing. Allele origin: germline.
Comment: This sequence change replaces histidine, which is basic and polar, with arginine, which is basic and polar, at codon 170 of the MARS protein (p.His170Arg). This variant is not present in population databases (gnomAD no frequency). This variant has not been reported in the literature in individuals affected with MARS-related conditions. Algorithms developed to predict the effect of missense changes on protein structure and function output the following: SIFT: "Tolerated"; PolyPhen-2: "Benign"; Align-GVGD: "Class C0". The arginine amino acid residue is found in multiple mammalian species, which suggests that this missense change does not adversely affect protein function. In summary, the available evidence is currently insufficient to determine the role of this variant in disease. Therefore, it has been classified as a Variant of Uncertain Significance.

NM_004990.4(MARS1):c.509A>G (p.His170Arg)

Gene: MARS1 (methionyl-tRNA synthetase 1; plus strand). Cytogenetic location: 12q13.3.
Variant type: single nucleotide variant.
Coding change: c.509A>G on transcript NM_004990.4 (MANE Select); coding-DNA position 509, A replaced by G.
Protein change: p.His170Arg; replaces histidine 170 with arginine.
Molecular consequence: missense variant.
Genome position (GRCh38, 1-based): chr12:57,490,225, A>G. VCF-style: chr12-57490225-A-G. GRCh37 (hg19) VCF-style: chr12-57884008-A-G.
Other names: short protein forms H170R.
Identifiers: ClinVar variation 2033295 (VCV002033295.4), dbSNP rs2540260808, ClinGen allele CA385491811.